The following is an entry in ClinVar:

ClinVar aggregate classification (germline): Conflicting classifications of pathogenicity. Review status: criteria provided, conflicting classifications (1 of 4 stars). 3 submissions from 3 submitters: Uncertain significance (2); Likely benign (1). Last evaluated 2026-07-09.

Conditions:
Cardiovascular phenotype. Identifiers: MedGen CN230736.
Hereditary cancer-predisposing syndrome. Also called: Hereditary Cancer Syndrome; Neoplastic Syndromes, Hereditary; Tumor predisposition; Hereditary neoplastic syndrome. Identifiers: Orphanet 140162, MedGen C0027672, MeSH D009386, MONDO:0015356.
Neurofibromatosis, type 1 (NF1). Also called: NEUROFIBROMATOSIS, TYPE I, SOMATIC; VON RECKLINGHAUSEN DISEASE; Peripheral type neurofibromatosis; Neurofibromatosis, type I. Identifiers: Orphanet 636, MedGen C0027831, MONDO:0018975, OMIM 162200. Disease mechanism: loss of function.

Submissions (3):

Ambry Genetics
Classification: Likely benign for Cardiovascular phenotype; Hereditary cancer-predisposing syndrome. Last evaluated: 2026-07-09. Review status: criteria provided, single submitter. Criteria: Ambry Variant Classification Scheme 2023. Collection method: clinical testing. Allele origin: germline.

Labcorp Genetics (formerly Invitae), Labcorp
Classification: Uncertain significance for Neurofibromatosis, type 1. Last evaluated: 2026-01-05. Review status: criteria provided, single submitter. Criteria: Invitae Variant Classification Sherloc (09022015). Collection method: clinical testing. Allele origin: germline.
Comment: This sequence change replaces leucine, which is neutral and non-polar, with valine, which is neutral and non-polar, at codon 2442 of the NF1 protein (p.Leu2442Val). This variant is not present in population databases (gnomAD no frequency). This variant has not been reported in the literature in individuals affected with NF1-related conditions. ClinVar contains an entry for this variant (Variation ID: 863335). Invitae Evidence Modeling of protein sequence and biophysical properties (such as structural, functional, and spatial information, amino acid conservation, physicochemical variation, residue mobility, and thermodynamic stability) indicates that this missense variant is not expected to disrupt NF1 protein function with a negative predictive value of 95%. In summary, the available evidence is currently insufficient to determine the role of this variant in disease. Therefore, it has been classified as a Variant of Uncertain Significance.

CeGaT Center for Human Genetics Tuebingen
Classification: Uncertain significance. Last evaluated: 2022-03-01. Review status: criteria provided, single submitter. Criteria: CeGaT Center For Human Genetics Tuebingen Variant Classification Criteria Version 2. Collection method: clinical testing. Allele origin: germline. Affected: yes. Observed: 1 variant allele.
Comment: NF1: PM2, PP2

NM_001042492.3(NF1):c.7387C>G (p.Leu2463Val)

Gene: NF1 (neurofibromin 1; plus strand). Cytogenetic location: 17q11.2.
Variant type: single nucleotide variant.
Coding change: c.7387C>G on transcript NM_001042492.3 (MANE Select); coding-DNA position 7387, C replaced by G.
Protein change: p.Leu2463Val; replaces leucine 2463 with valine.
Molecular consequence: missense variant.
Genome position (GRCh38, 1-based): chr17:31,350,248, C>G. VCF-style: chr17-31350248-C-G. GRCh37 (hg19) VCF-style: chr17-29677266-C-G.
Other names: c.7324C>G, p.Leu2442Val (NM_000267.4); short protein forms L2442V, L2463V.
Identifiers: ClinVar variation 863335 (VCV000863335.34), dbSNP rs2070105859, ClinGen allele CA399017080.